The following is an entry in ClinVar:

ClinVar aggregate classification (germline): Benign/Likely benign. Review status: criteria provided, multiple submitters, no conflicts (2 of 4 stars). 4 submissions from 4 submitters: Benign (2); Likely benign (2). Last evaluated 2026-01-19.

Conditions:
Cerebral arteriopathy, autosomal dominant, with subcortical infarcts and leukoencephalopathy, type 1 (CADASIL1). Also called: CADASIL 1; CASIL; DEMENTIA, HEREDITARY MULTIINFARCT TYPE; Cerebral arteriopathy with subcortical infarcts and leukoencephalopathy 1. Identifiers: Orphanet 136, MedGen C4551768, MONDO:0000914, OMIM 125310.

Allele frequency attached by ClinVar (database versions not stated): TOPMed 0.00006.
gnomAD v4.1: 78 of 1,613,954 alleles (0.0048%); highest among the groups gnomAD compares: East Asian, 0.036%; no homozygotes.

Submissions (4):

Labcorp Genetics (formerly Invitae), Labcorp
Classification: Likely benign. Last evaluated: 2026-01-19. Review status: criteria provided, single submitter. Criteria: Invitae Variant Classification Sherloc (09022015). Collection method: clinical testing. Allele origin: germline.

Blueprint Genetics
Classification: Likely benign. Last evaluated: 2024-11-04. Review status: criteria provided, single submitter. Criteria: ACMG Guidelines, 2015. Collection method: clinical testing. Allele origin: germline.

Athena Diagnostics
Classification: Benign. Last evaluated: 2020-03-25. Review status: criteria provided, single submitter. Criteria: Athena Diagnostics Criteria. Collection method: clinical testing. Allele origin: unknown.

Illumina Laboratory Services, Illumina
Classification: Benign for Cerebral arteriopathy, autosomal dominant, with subcortical infarcts and leukoencephalopathy, type 1. Last evaluated: 2017-04-27. Review status: criteria provided, single submitter. Criteria: ICSL Variant Classification Criteria 13 December 2019. Collection method: clinical testing. Allele origin: germline.
Comment: This variant was observed as part of a predisposition screen in an ostensibly healthy population. A literature search was performed for the gene, cDNA change, and amino acid change (where applicable). No publications were found based on this search. Allele frequency data from public databases was too high to be consistent with this variant causing disease. Therefore, this variant is classified as benign.

Literature cited by the submitters: PubMed 22153900 (cited by Athena Diagnostics); PubMed 21616505 (cited by Athena Diagnostics); PubMed 25623805 (cited by Athena Diagnostics).

NM_000435.3(NOTCH3):c.1725G>C (p.Thr575=)

Gene: NOTCH3 (notch receptor 3; minus strand). Cytogenetic location: 19p13.12.
Variant type: single nucleotide variant.
Coding change: c.1725G>C on transcript NM_000435.3 (MANE Select); coding-DNA position 1725, G replaced by C.
Protein change: p.Thr575=; no amino-acid change (threonine 575 retained).
Molecular consequence: synonymous variant.
Genome position (GRCh38, 1-based): chr19:15,187,220, C>G on the plus strand (G>C on the coding strand, the complement: NOTCH3 is on the minus strand). VCF-style: chr19-15187220-C-G. GRCh37 (hg19) VCF-style: chr19-15298031-C-G.
Identifiers: ClinVar variation 447796 (VCV000447796.17), dbSNP rs79926127, ClinGen allele CA9263569.